The following is an entry in ClinVar:

NM_001145438.3(PGAP2):c.-27T>C

Gene: PGAP2 (post-GPI attachment to proteins 2; plus strand). Cytogenetic location: 11p15.4.
Variant type: single nucleotide variant.
Coding change: c.-27T>C on transcript NM_001145438.3; 27 bases upstream of the start codon, T replaced by C.
Molecular consequence: 5 prime UTR variant. On other transcripts: synonymous variant (1), non-coding transcript variant (9), missense variant (2).
Genome position (GRCh38, 1-based): chr11:3,808,299, T>C. VCF-style: chr11-3808299-T-C. GRCh37 (hg19) VCF-style: chr11-3829529-T-C.
Other names: c.-58T>C (NM_001256235.2); c.-27T>C (NM_001346398.2, NM_001346400.2, NM_001346403.1 and 6 more transcripts); c.-230T>C (NM_001346399.2, NM_001346401.2); c.9T>C, p.Asp3= (NM_001346402.2); c.-57T>C (NM_001283039.2); c.145T>C, p.Trp49Arg (NM_001283040.1); c.127T>C, p.Trp43Arg (NM_001346397.2); short protein forms W43R, W49R.
Identifiers: ClinVar variation 2641519 (VCV002641519.22), dbSNP rs183093939, ClinGen allele CA5829526.
Genomic context (GRCh38, chr11:3,808,299, plus strand): 5'-GCGGATGAGAAAGAAATCCGGCCCCTGTTGAATTAATTTTGTGTTCTTTCAACAGGTAGA[T>C]GGAACGCAGCTGAGAGGTAAGGCGACAAGGTGGCTTATCCAACATGCTCAAACTCAGGTA-3'

ClinVar aggregate classification (germline): Likely benign (1 of 4 stars; one submission).

Allele frequency attached by ClinVar (database versions not stated): ExAC 0.00132; 1000 Genomes Project 30x 0.00422; ESP Exome Variant Server 0.00460; gnomAD exomes 0.00038; 1000 Genomes Project 0.00359; TOPMed 0.00434; gnomAD 0.00396.
gnomAD v4.1: 1,149 of 1,551,456 alleles (0.074%); highest among the groups gnomAD compares: African/African-American, 1.4%; 8 homozygotes.

Submission:

CeGaT Center for Human Genetics Tuebingen
Classification: Likely benign. Last evaluated: 2025-03-01. Review status: criteria provided, single submitter. Criteria: CeGaT Center For Human Genetics Tuebingen Variant Classification Criteria Version 2. Collection method: clinical testing. Allele origin: germline. Affected: yes. Observed: 2 variant alleles.
Comment: PGAP2: BS1